The following is an entry in ClinVar:

NC_000017.10:g.(?_29482991)_(29548957_?)dup

Gene: NF1 (neurofibromin 1; plus strand). Cytogenetic location: 17q11.2.
Variant type: Duplication.
Identifiers: ClinVar variation 1066494 (VCV001066494.1).

ClinVar aggregate classification (germline): Likely pathogenic (1 of 4 stars; one submission).

Conditions:
Neurofibromatosis, type 1 (NF1). Also called: VON RECKLINGHAUSEN DISEASE; Peripheral type neurofibromatosis; NEUROFIBROMATOSIS, TYPE I, SOMATIC; Neurofibromatosis, type I. Identifiers: Orphanet 636, MedGen C0027831, MONDO:0018975, OMIM 162200. Disease mechanism: loss of function.

Submission:

Labcorp Genetics (formerly Invitae), Labcorp
Classification: Likely pathogenic for Neurofibromatosis, type 1. Last evaluated: 2015-06-05. Review status: criteria provided, single submitter. Criteria: Invitae Variant Classification Sherloc (09022015). Collection method: clinical testing. Allele origin: germline.
Comment: A gross duplication of the genomic region encompassing the full coding sequence of the NF1 gene has been identified. This duplication extends beyond our assay region, therefore the breakpoints were not identified. NF1 duplications have been reported in the literature and is not present in population databases. Microduplications spanning NF1 and surrounding genomic region have been reported in individuals with variable developmental delay and intellectual disability among other features (PMID: 25205021, 22241097, 18183042). It appears to segregate with disease in several families although a few unaffected carriers have also been observed (PMID: 18183042, 22241097). These NF1 duplications are part of large multigenic duplications and there was a distinct absence of neurofibromas in carriers of these duplications (PMID: 25205021, 22241097, 18183042). Because large multigenic duplications including NF1 have been reported in individuals affected with a spectrum of phenotypes, this variant has been classified as Likely Pathogenic.

Literature cited by the submitters: PubMed 25205021; PubMed 22241097; PubMed 18183042.